The following is an entry in ClinVar:

NM_000088.4(COL1A1):c.2573C>G (p.Ala858Gly)

Gene: COL1A1 (collagen type I alpha 1 chain; minus strand). Cytogenetic location: 17q21.33.
Variant type: single nucleotide variant.
Coding change: c.2573C>G on transcript NM_000088.4 (MANE Select); coding-DNA position 2573, C replaced by G.
Protein change: p.Ala858Gly; replaces alanine 858 with glycine.
Molecular consequence: missense variant.
Genome position (GRCh38, 1-based): chr17:50,189,899, G>C on the plus strand (C>G on the coding strand, the complement: COL1A1 is on the minus strand). VCF-style: chr17-50189899-G-C. GRCh37 (hg19) VCF-style: chr17-48267260-G-C.
Other names: short protein forms A858G.
Identifiers: ClinVar variation 456750 (VCV000456750.9), dbSNP rs550053089, ClinGen allele CA8644748.

ClinVar aggregate classification (germline): Uncertain significance (1 of 4 stars; one submission).

Conditions:
Osteogenesis imperfecta type I (OI1). Also called: OI, TYPE I; OSTEOGENESIS IMPERFECTA TARDA; OSTEOGENESIS IMPERFECTA WITH BLUE SCLERAE; Osteogenesis imperfecta type 1; Lobstein's Disease; Lobstein disease. Identifiers: Orphanet 216796, Orphanet 666, MedGen C0023931, MONDO:0008146, OMIM 166200. Disease mechanism: loss of function.

Allele frequency attached by ClinVar (database versions not stated): ExAC 0.00001; TOPMed 0.00001.
gnomAD v4.1: 1 of 1,611,266 alleles (0.000062%); highest among the groups gnomAD compares: East Asian, 0.0022%; no homozygotes.

Submission:

Labcorp Genetics (formerly Invitae), Labcorp
Classification: Uncertain significance for Osteogenesis imperfecta type I. Last evaluated: 2016-07-31. Review status: criteria provided, single submitter. Criteria: Invitae Variant Classification Sherloc (09022015). Collection method: clinical testing. Allele origin: germline.
Comment: Algorithms developed to predict the effect of missense changes on protein structure and function do not agree on the potential impact of this missense change (SIFT: "Tolerated"; PolyPhen-2: "Possibly Damaging"; Align-GVGD: "Class C0"). In summary, this variant is a rare missense change with uncertain impact on protein function. There is no indication that it causes disease, but the available evidence is currently insufficient to prove that conclusively. Therefore, it has been classified as a Variant of Uncertain Significance. This variant is present in population databases (rs550053089, ExAC 0.01%) but has not been reported in the literature in individuals with a COL1A1-related disease. This sequence change replaces alanine with glycine at codon 858 of the COL1A1 protein (p.Ala858Gly). The alanine residue is highly conserved and there is a small physicochemical difference between alanine and glycine.